The following is an entry in ClinVar:

ClinVar aggregate classification (germline): Uncertain significance (1 of 4 stars; one submission).

Allele frequency attached by ClinVar (database versions not stated): gnomAD exomes below 0.00001.
gnomAD v4.1: 2 of 1,599,668 alleles (0.00013%); highest among the groups gnomAD compares: Non-Finnish European, 0.00017%; no homozygotes.

Submission:

Labcorp Genetics (formerly Invitae), Labcorp
Classification: Uncertain significance. Last evaluated: 2026-01-13. Review status: criteria provided, single submitter. Criteria: Invitae Variant Classification Sherloc (09022015). Collection method: clinical testing. Allele origin: germline.
Comment: This sequence change replaces isoleucine, which is neutral and non-polar, with valine, which is neutral and non-polar, at codon 160 of the SLC10A2 protein (p.Ile160Val). This variant is not present in population databases (gnomAD no frequency). This variant has not been reported in the literature in individuals affected with SLC10A2-related conditions. ClinVar contains an entry for this variant (Variation ID: 2872038). Invitae Evidence Modeling of protein sequence and biophysical properties (such as structural, functional, and spatial information, amino acid conservation, physicochemical variation, residue mobility, and thermodynamic stability) indicates that this missense variant is not expected to disrupt SLC10A2 protein function with a negative predictive value of 80%. In summary, the available evidence is currently insufficient to determine the role of this variant in disease. Therefore, it has been classified as a Variant of Uncertain Significance.

NM_000452.3(SLC10A2):c.478A>G (p.Ile160Val)

Gene: SLC10A2 (solute carrier family 10 member 2; minus strand). Cytogenetic location: 13q33.1.
Variant type: single nucleotide variant.
Coding change: c.478A>G on transcript NM_000452.3 (MANE Select); coding-DNA position 478, A replaced by G.
Protein change: p.Ile160Val; replaces isoleucine 160 with valine.
Molecular consequence: missense variant.
Genome position (GRCh38, 1-based): chr13:103,058,282, T>C on the plus strand (A>G on the coding strand, the complement: SLC10A2 is on the minus strand). VCF-style: chr13-103058282-T-C. GRCh37 (hg19) VCF-style: chr13-103710632-T-C.
Other names: short protein forms I160V.
Identifiers: ClinVar variation 2872038 (VCV002872038.3), dbSNP rs2501826292, ClinGen allele CA388607991.